The following is an entry in ClinVar:

NM_000548.5(TSC2):c.3430G>A (p.Val1144Met)

Gene: TSC2 (TSC complex subunit 2; plus strand). Cytogenetic location: 16p13.3.
Variant type: single nucleotide variant.
Coding change: c.3430G>A on transcript NM_000548.5 (MANE Select); coding-DNA position 3430, G replaced by A.
Protein change: p.Val1144Met; replaces valine 1144 with methionine.
Molecular consequence: missense variant.
Genome position (GRCh38, 1-based): chr16:2,080,197, G>A. VCF-style: chr16-2080197-G-A. GRCh37 (hg19) VCF-style: chr16-2130198-G-A.
Other names: p.V1144M:GTG>ATG; c.3298G>A, p.Val1100Met (NM_001077183.3, NM_001370404.1); c.3430G>A, p.Val1144Met (NM_001114382.3); c.3190G>A, p.Val1064Met (NM_001318827.2); c.3154G>A, p.Val1052Met (NM_001318829.2); c.2698G>A, p.Val900Met (NM_001318831.2); c.3331G>A, p.Val1111Met (NM_001318832.2); c.3301G>A, p.Val1101Met (NM_001363528.2, NM_001370405.1, NM_021055.3); and 1 more; short protein forms V1144M, V1064M, V1101M, V1100M, V1052M, V1111M, V900M.
Identifiers: ClinVar variation 41733 (VCV000041733.65), dbSNP rs45517294, ClinGen allele CA019154.
Genomic context (GRCh38, chr16:2,080,197, plus strand): 5'-GTCACCAGTCCTCTGCCCTCTTCTTCAGGGGGCCATGGTCTTCGAGTTGGCGCCCTGGAC[G>A]TGCCGGCCTCCCAGTTCCTGGGCAGTGCCACTTCTCCAGGACCACGGACTGCACCAGCCG-3'
Protein context (NP_000539.2, residues 1134-1154): GHGLRVGALD[Val1144Met]PASQFLGSAT

ClinVar aggregate classification (germline): Conflicting classifications of pathogenicity. Review status: criteria provided, conflicting classifications (1 of 4 stars). 21 submissions from 21 submitters: Uncertain significance (2); Benign (7); Likely benign (6). 6 of the submissions do not count toward it. Last evaluated 2026-04-01.

Conditions:
Isolated focal cortical dysplasia type II (FCORD2). Also called: Focal cortical dysplasia type II; CORTICAL DYSPLASIA OF TAYLOR. Identifiers: Orphanet 268994, MedGen C1846385, MONDO:0011818, OMIM 607341, HP:0032051.
Lymphangiomyomatosis (LAM). Also called: Lymphangioleiomyomatosis; Lymphangioleiomyomatosis, somatic. Identifiers: Orphanet 538, MedGen C0751674, MONDO:0011705, OMIM 606690.
Tuberous sclerosis 2 (TSC2). Identifiers: Orphanet 805, MedGen C1860707, MONDO:0013199, OMIM 613254.
TSC2-related disorder. Also called: TSC2-Related Disorders; TSC2-related condition.
Hereditary cancer-predisposing syndrome. Also called: Tumor predisposition; Neoplastic Syndromes, Hereditary; Hereditary Cancer Syndrome; Hereditary neoplastic syndrome. Identifiers: Orphanet 140162, MedGen C0027672, MeSH D009386, MONDO:0015356.
Tuberous sclerosis syndrome (TSC). Also called: Tuberous Sclerosis Complex; Tuberous sclerosis. Identifiers: Orphanet 805, MedGen C0041341, MONDO:0001734.

Allele frequency attached by ClinVar (database versions not stated): gnomAD 0.00031; TOPMed 0.00037; ESP Exome Variant Server 0.00015; ExAC 0.00023; gnomAD exomes 0.00024.

Submissions (21):

CeGaT Center for Human Genetics Tuebingen
Classification: Likely benign. Last evaluated: 2026-04-01. Review status: criteria provided, single submitter. Criteria: CeGaT Center For Human Genetics Tuebingen Variant Classification Criteria Version 2. Collection method: clinical testing. Allele origin: germline. Affected: yes. Observed: 8 variant alleles.
Comment: TSC2: BP4, BS1

Labcorp Genetics (formerly Invitae), Labcorp
Classification: Benign for Tuberous sclerosis 2. Last evaluated: 2026-02-02. Review status: criteria provided, single submitter. Criteria: Invitae Variant Classification Sherloc (09022015). Collection method: clinical testing. Allele origin: germline.

Myriad Genetics, Inc.
Classification: Benign for Tuberous sclerosis 2. Last evaluated: 2025-05-29. Review status: criteria provided, single submitter. Criteria: Myriad Autosomal Dominant, Autosomal Recessive and X-Linked Classification Criteria (2023). Collection method: clinical testing. Allele origin: unknown.
Comment: This variant is considered benign. This variant has been observed at a population frequency that is significantly greater than expected given the associated disease prevalence and penetrance. Homozygosity has been confirmed in one or more individuals. As homozygosity for pathogenic variants in this gene is generally assumed to result in embryonic lethality, this variant is unlikely to be pathogenic.

Blueprint Genetics
Classification: Likely benign. Last evaluated: 2024-03-09. Review status: criteria provided, single submitter. Criteria: ACMG Guidelines, 2015. Collection method: clinical testing. Allele origin: germline.

Quest Diagnostics Nichols Institute San Juan Capistrano
Classification: Benign. Last evaluated: 2022-11-25. Review status: criteria provided, single submitter. Criteria: Quest Diagnostics criteria. Collection method: clinical testing. Allele origin: unknown.
Comment: The frequency of this variant in the general population is higher than would generally be expected for pathogenic variants in this gene.

Department of Pathology and Laboratory Medicine, Sinai Health System
Classification: Likely benign for Lymphangiomyomatosis; Isolated focal cortical dysplasia type II; Tuberous sclerosis 2. Last evaluated: 2022-09-08. Review status: criteria provided, single submitter. Criteria: ACMG Guidelines, 2015. Collection method: clinical testing. Allele origin: germline. Affected: yes.

Color Diagnostics, LLC DBA Color Health
Classification: Benign for Tuberous sclerosis syndrome. Last evaluated: 2022-08-10. Review status: criteria provided, single submitter. Criteria: ACMG Guidelines, 2015. Collection method: clinical testing. Allele origin: germline.

Genome-Nilou Lab
Classification: Benign for Tuberous sclerosis 2. Last evaluated: 2021-11-07. Review status: criteria provided, single submitter. Criteria: ACMG Guidelines, 2015. Collection method: clinical testing. Allele origin: germline. Affected: no.

Sema4
Classification: Likely benign for Hereditary cancer-predisposing syndrome. Last evaluated: 2021-04-23. Review status: criteria provided, single submitter. Criteria: Sema4 Curation Guidelines. Collection method: curation. Allele origin: germline.

GeneDx
Classification: Benign. Last evaluated: 2019-07-09. Review status: criteria provided, single submitter. Criteria: GeneDx Variant Classification Process June 2021. Collection method: clinical testing. Allele origin: germline. Affected: yes.
Comment: This variant is associated with the following publications: (PMID: 22903760, 27600092, 22703879, 25637381, 27997549, 24728327, 10732801, 24055113, 30111351)

Mendelics
Classification: Benign for Tuberous sclerosis 2. Last evaluated: 2019-05-28. Review status: criteria provided, single submitter. Criteria: Mendelics Assertion Criteria 2017. Collection method: clinical testing. Allele origin: unknown.

Illumina Laboratory Services, Illumina
Classification: Uncertain significance for Tuberous sclerosis syndrome. Last evaluated: 2018-08-30. Review status: criteria provided, single submitter. Criteria: ICSL Variant Classification Criteria 13 December 2019. Collection method: clinical testing. Allele origin: germline.

Ambry Genetics
Classification: Likely benign for Hereditary cancer-predisposing syndrome. Last evaluated: 2018-06-07. Review status: criteria provided, single submitter. Criteria: Ambry Variant Classification Scheme 2023. Collection method: clinical testing. Allele origin: germline.

Eurofins Ntd Llc (ga)
Classification: Likely benign. Last evaluated: 2017-08-14. Review status: criteria provided, single submitter. Criteria: EGL Classification Definitions 2015. Collection method: clinical testing. Allele origin: germline. Observed: 1 variant allele, 1 heterozygote.

CSER _CC_NCGL, University of Washington
Classification: Uncertain significance for Tuberous sclerosis. Last evaluated: 2014-06-01. Review status: criteria provided, single submitter. Criteria: Amendola et al. (Genome Res. 2015). Collection method: research. Allele origin: germline. Inheritance: Autosomal dominant inheritance. Study: ESP 6500 variant annotation.
Comment: Low GERP score may suggest that this variant may belong in a lower pathogenicity class

Variants classified for the Actionable exomic incidental findings in 6503 participants: challenges of variant classification manuscript

PreventionGenetics, part of Exact Sciences
Classification: Likely benign for TSC2-related condition. Last evaluated: 2020-06-17. Review status: no assertion criteria provided. Collection method: clinical testing. Allele origin: germline. Not counted in ClinVar's aggregate classification.
Comment: This variant is classified as likely benign based on ACMG/AMP sequence variant interpretation guidelines (Richards et al. 2015 PMID: 25741868, with internal and published modifications).

ITMI
No classification provided. Condition: AllHighlyPenetrant. Last evaluated: 2013-09-19. Review status: no classification provided. Collection method: reference population. Allele origin: germline. Not counted in ClinVar's aggregate classification.
Comment: Please see associated publication for description of ethnicities

Biesecker Lab/Clinical Genomics Section, National Institutes of Health
Classification: Uncertain significance. Last evaluated: 2012-07-13. Review status: no assertion criteria provided. Collection method: research. Allele origin: germline. Affected: no. Observed: 4 variant alleles. Study: ClinSeq. Not counted in ClinVar's aggregate classification.
ClinVar note: Converted during submission from variant of unknown significance to Uncertain significance.

Clinical Genetics DNA and cytogenetics Diagnostics Lab, Erasmus MC, Erasmus Medical Center
Classification: Likely benign. Review status: no assertion criteria provided. Collection method: clinical testing. Allele origin: germline. Affected: yes. Study: VKGL Data-share Consensus. Not counted in ClinVar's aggregate classification.

Clinical Genetics, Academic Medical Center
Classification: Likely benign. Review status: no assertion criteria provided. Collection method: clinical testing. Allele origin: germline. Affected: yes. Study: VKGL Data-share Consensus. Not counted in ClinVar's aggregate classification.

Tuberous sclerosis database (TSC2)
No classification provided. Condition: TSC. Review status: no classification provided. Criteria: Tuberous Sclerosis Database Assertion Criteria 2015. Collection method: curation. Allele origin: germline. Affected: yes. Not counted in ClinVar's aggregate classification.

Literature cited by the submitters: PubMed 24728327 (cited by Department of Pathology and Laboratory Medicine, Sinai Health System and ITMI); PubMed 10732801 (cited by Sema4 and Ambry Genetics); PubMed 25637381 (cited by Sema4 and Ambry Genetics); PubMed 22903760 (cited by Ambry Genetics).